The following is an entry in ClinVar:

ClinVar aggregate classification (germline): Uncertain significance. Review status: criteria provided, multiple submitters, no conflicts (2 of 4 stars). 3 submissions from 3 submitters: Uncertain significance (3). Last evaluated 2024-03-11.

Conditions:
Alzheimer disease. Also called: Presenile and senile dementia; Alzheimer's disease. Identifiers: Orphanet 1020, MedGen C0002395, MeSH D000544, MONDO:0004975, HP:0002511.

Allele frequency attached by ClinVar (database versions not stated): TOPMed 0.00001.
gnomAD v4.1: 4 of 1,613,878 alleles (0.00025%); highest among the groups gnomAD compares: Non-Finnish European, 0.00034%; no homozygotes.

Submissions (3):

Athena Diagnostics
Classification: Uncertain significance. Last evaluated: 2024-03-11. Review status: criteria provided, single submitter. Criteria: Athena Diagnostics Criteria. Collection method: clinical testing. Allele origin: unknown.
Comment: Available data are insufficient to determine the clinical significance of the variant at this time. This variant has not been reported in large, multi-ethnic general populations. This variant has been seen where an alternate explanation for disease was also identified, suggesting this variant may not cause disease. Computational tools disagree on the variant's effect on normal protein function.

Mayo Clinic Laboratories, Mayo Clinic
Classification: Uncertain significance. Last evaluated: 2023-06-16. Review status: criteria provided, single submitter. Criteria: ACMG Guidelines, 2015. Collection method: clinical testing. Allele origin: germline. Observed: 1 variant allele.
Comment: BP5, PM2_moderate

Labcorp Genetics (formerly Invitae), Labcorp
Classification: Uncertain significance for Alzheimer disease. Last evaluated: 2020-05-04. Review status: criteria provided, single submitter. Criteria: Invitae Variant Classification Sherloc (09022015). Collection method: clinical testing. Allele origin: germline.
Comment: This sequence change replaces proline with histidine at codon 639 of the APP protein (p.Pro639His). The proline residue is highly conserved and there is a moderate physicochemical difference between proline and histidine. This variant is not present in population databases (ExAC no frequency). This variant has not been reported in the literature in individuals with APP-related conditions. Algorithms developed to predict the effect of missense changes on protein structure and function (SIFT, PolyPhen-2, Align-GVGD) all suggest that this variant is likely to be disruptive, but these predictions have not been confirmed by published functional studies and their clinical significance is uncertain. In summary, the available evidence is currently insufficient to determine the role of this variant in disease. Therefore, it has been classified as a Variant of Uncertain Significance.

NM_000484.4(APP):c.1916C>A (p.Pro639His)

Gene: APP (amyloid beta precursor protein; minus strand). Cytogenetic location: 21q21.3.
Variant type: single nucleotide variant.
Coding change: c.1916C>A on transcript NM_000484.4 (MANE Select); coding-DNA position 1916, C replaced by A.
Protein change: p.Pro639His; replaces proline 639 with histidine.
Molecular consequence: missense variant. On other transcripts: intron variant (3).
Genome position (GRCh38, 1-based): chr21:25,905,071, G>T on the plus strand (C>A on the coding strand, the complement: APP is on the minus strand). VCF-style: chr21-25905071-G-T. GRCh37 (hg19) VCF-style: chr21-27277383-G-T.
Other names: p.Pro639His; c.1844C>A, p.Pro615His (NM_001136016.3); c.1523C>A, p.Pro508His (NM_001136129.3); c.1748C>A, p.Pro583His (NM_001136130.3, NM_001385253.1); c.1586C>A, p.Pro529His (NM_001136131.3); c.1859C>A, p.Pro620His (NM_201413.3); c.1691C>A, p.Pro564His (NM_201414.3); c.1684+6670C>A (NM_001204303.2); and 3 more; short protein forms P508H, P529H, P564H, P583H, P615H, P620H, P639H.
Identifiers: ClinVar variation 1026799 (VCV001026799.11), dbSNP rs771964280, ClinGen allele CA409807074.
Genomic context (GRCh38, chr21:25,905,071, plus strand): 5'-GCGGTTCTGATACCTGGTCGAGTGGTCAGTCCTCGGTCGGCAGCAGGGCGGGCATCAACA[G>T]GCTCAACTGGGCACAGGAAGCAAGGGACACAGAAAGCAAACAAGACAAATCAAGATGGTA-3'
Protein context (NP_000475.1, residues 629-649): VPANTENEVE[Pro639His]VDARPAADRG